The following is an entry in ClinVar:

NC_000023.11:g.(?_135985483)_(136024503_?)dup

Gene: SLC9A6 (solute carrier family 9 member A6; plus strand). Cytogenetic location: Xq26.3.
Variant type: Duplication.
Identifiers: ClinVar variation 831697 (VCV000831697.3).

ClinVar aggregate classification (germline): Uncertain significance (1 of 4 stars; one submission).

Conditions:
Christianson syndrome (MRXSCH). Also called: INTELLECTUAL DEVELOPMENTAL DISORDER, X-LINKED, SYNDROMIC, CHRISTIANSON TYPE; X-linked mental retardation, syndromic, Christianson type; SLC9A6-Related Syndromic Mental Retardation. Identifiers: Orphanet 85278, MedGen C2678194, MONDO:0010278, OMIM 300243.

Submission:

Labcorp Genetics (formerly Invitae), Labcorp
Classification: Uncertain significance for Christianson syndrome. Last evaluated: 2019-01-31. Review status: criteria provided, single submitter. Criteria: Invitae Variant Classification Sherloc (09022015). Collection method: clinical testing. Allele origin: germline.
Comment: This variant results in a copy number gain of the genomic region encompassing exons 1-12 of the SLC9A6 gene. The 5' end of this event is unknown as it extends beyond the assayed region for this gene and therefore may encompass additional genes. The 3' boundary is likely confined to intron 12 of the SLC9A6 gene. As the precise location of this event is unknown, it may be in tandem or it may be located elsewhere in the genome. This variant has not been reported in the literature in individuals with SLC9A6-related conditions. In summary, the available evidence is currently insufficient to determine the role of this variant in disease. Therefore, it has been classified as a Variant of Uncertain Significance.